The following is an entry in ClinVar:

NM_004006.3(DMD):c.3515G>A (p.Trp1172Ter)

Gene: DMD (dystrophin; minus strand). Cytogenetic location: Xp21.1.
Variant type: single nucleotide variant.
Coding change: c.3515G>A on transcript NM_004006.3 (MANE Select); coding-DNA position 3515, G replaced by A.
Protein change: p.Trp1172Ter; replaces tryptophan 1172 with a stop codon.
Molecular consequence: nonsense.
Genome position (GRCh38, 1-based): chrX:32,454,750, C>T on the plus strand (G>A on the coding strand, the complement: DMD is on the minus strand). VCF-style: chrX-32454750-C-T. GRCh37 (hg19) VCF-style: chrX-32472867-C-T.
Other names: c.3491G>A, p.Trp1164Ter (NM_000109.4); c.3503G>A, p.Trp1168Ter (NM_004009.3); c.3146G>A, p.Trp1049Ter (NM_004010.3); short protein forms W1049*, W1164*, W1168*, W1172*.
Identifiers: ClinVar variation 5003258 (VCV005003258.1), dbSNP rs2148348976.
Genomic context (GRCh38, chrX:32,454,750, plus strand): 5'-TCATCTGGAGTTTTATATTCAAAATCTCTCTCAAGATACTCTTCTTCAGCTTGTGTCATC[C>T]ATTCGTGCATCTCTGATAGATCTTTCTGGAGGCTTACAGTTTTCTCCAAACCTCCCTTCA-3'

ClinVar aggregate classification (germline): Pathogenic (1 of 4 stars; one submission).

Conditions:
Progressive muscular dystrophy. Identifiers: Orphanet 206644, MedGen C4551827, MONDO:0016106.

Submission:

Myriad Genetics, Inc.
Classification: Pathogenic for Progressive muscular dystrophy. Last evaluated: 2026-07-17. Review status: criteria provided, single submitter. Criteria: Myriad Autosomal Dominant, Autosomal Recessive and X-Linked Classification Criteria (2023). Collection method: clinical testing. Allele origin: unknown.
Comment: NM_004006.2(DMD):c.3515G>A(W1172*) is a nonsense variant classified as pathogenic in the context of dystrophinopathy (including Duchenne/Becker muscular dystrophy). W1172* has been observed in a case with relevant disease (PMID: 14695533). Relevant functional assessments of this variant are not available in the literature. W1172* has not been observed in referenced population frequency databases. In summary, NM_004006.2(DMD):c.3515G>A(W1172*) is a nonsense variant in a gene where loss of function is a known mechanism of disease, is predicted to disrupt protein function, and has been observed more frequently in cases with the relevant disease than in healthy populations. Please note: this variant was assessed in the context of healthy population screening.

Literature cited by the submitters: PubMed 14695533.